The following is an entry in ClinVar:

NM_002691.4(POLD1):c.2954-39A>G

Gene: POLD1 (DNA polymerase delta 1, catalytic subunit; plus strand). Cytogenetic location: 19q13.33.
Variant type: single nucleotide variant.
Coding change: c.2954-39A>G on transcript NM_002691.4 (MANE Select); 39 bases into the intron before coding-DNA position 2954, A replaced by G.
Molecular consequence: intron variant.
Genome position (GRCh38, 1-based): chr19:50,416,571, A>G. VCF-style: chr19-50416571-A-G. GRCh37 (hg19) VCF-style: chr19-50919828-A-G.
Other names: c.2954-39A>G (NM_001256849.1); c.3032-39A>G (NM_001308632.1).
Identifiers: ClinVar variation 1245273 (VCV001245273.7), dbSNP rs3218760, ClinGen allele CA9596705.

ClinVar aggregate classification (germline): Benign. Review status: criteria provided, multiple submitters, no conflicts (2 of 4 stars). 4 submissions from 4 submitters: Benign (4). Last evaluated 2024-01-24.

Conditions:
Mandibular hypoplasia-deafness-progeroid syndrome. Also called: Mandibular hypoplasia, deafness, progeroid features, and lipodystrophy syndrome. Identifiers: Orphanet 363649, MedGen C3715192, MONDO:0014157, OMIM 615381.

Allele frequency attached by ClinVar (database versions not stated): gnomAD 0.21049 and 0.21267; TOPMed 0.22960; ExAC 0.23288; gnomAD exomes 0.09618 and 0.13718; ESP Exome Variant Server 0.19582; 1000 Genomes Project 0.27975; 1000 Genomes Project 30x 0.28435.
gnomAD v4.1: 167,641 of 1,547,024 alleles (11%); highest among the groups gnomAD compares: African/African-American, 53%; 18,045 homozygotes.

Submissions (4):

Unidad de Genómica Garrahan, Hospital de Pediatría Garrahan
Classification: Benign. Last evaluated: 2024-01-24. Review status: criteria provided, single submitter. Criteria: ACMG Guidelines, 2015. Collection method: clinical testing. Allele origin: germline. Affected: no. Observed: 23 variant alleles.
Comment: This variant is classified as Benign based on local population frequency. This variant was detected in 24% of patients studied by a panel of primary immunodeficiencies. Number of patients: 23. Only high quality variants are reported.

Genome-Nilou Lab
Classification: Benign for Mandibular hypoplasia-deafness-progeroid syndrome. Last evaluated: 2021-10-25. Review status: criteria provided, single submitter. Criteria: ACMG Guidelines, 2015. Collection method: clinical testing. Allele origin: germline. Affected: no.

GeneDx
Classification: Benign. Last evaluated: 2018-06-24. Review status: criteria provided, single submitter. Criteria: GeneDx Variant Classification Process June 2021. Collection method: clinical testing. Allele origin: germline. Affected: yes.

Breakthrough Genomics
Classification: Benign. Review status: criteria provided, single submitter. Criteria: ACMG Guidelines, 2015. Collection method: not provided. Allele origin: germline. Inheritance: Autosomal dominant inheritance. Affected: yes.